The following is an entry in ClinVar:

NM_006908.5(RAC1):c.304C>T (p.Arg102Trp)

Gene: RAC1 (Rac family small GTPase 1; plus strand). Cytogenetic location: 7p22.1.
Variant type: single nucleotide variant.
Coding change: c.304C>T on transcript NM_006908.5 (MANE Select); coding-DNA position 304, C replaced by T.
Protein change: p.Arg102Trp; replaces arginine 102 with tryptophan.
Molecular consequence: missense variant.
Genome position (GRCh38, 1-based): chr7:6,401,883, C>T. VCF-style: chr7-6401883-C-T. GRCh37 (hg19) VCF-style: chr7-6441514-C-T.
Other names: c.361C>T, p.Arg121Trp (NM_018890.4); short protein forms R102W, R121W.
Identifiers: ClinVar variation 4881351 (VCV004881351.2).

ClinVar aggregate classification (germline): Uncertain significance (1 of 4 stars; one submission).

Submission:

Dasa
Classification: Uncertain significance. Last evaluated: 2024-11-20. Review status: criteria provided, single submitter. Criteria: DASA Assertion Criteria. Collection method: clinical testing. Allele origin: germline.
Comment: NM_006908.5(RAC1):c.304C>T (p.Arg102Trp) is a missense variant that results in the substitution of arginine with tryptophan. This variant is rare in population databases. The currently available literature and clinical evidence are not sufficient to establish a definitive association between this variant and the reported condition. Therefore, this variant is classified as a variant of uncertain significance.